The following is an entry in ClinVar:

NM_032043.3(BRIP1):c.1794+6C>T

Gene: BRIP1 (BRCA1 interacting DNA helicase 1; minus strand). Cytogenetic location: 17q23.2.
Variant type: single nucleotide variant.
Coding change: c.1794+6C>T on transcript NM_032043.3 (MANE Select); 6 bases into the intron after coding-DNA position 1794, C replaced by T.
Molecular consequence: intron variant.
Genome position (GRCh38, 1-based): chr17:61,780,834, G>A on the plus strand (C>T on the coding strand, the complement: BRIP1 is on the minus strand). VCF-style: chr17-61780834-G-A. GRCh37 (hg19) VCF-style: chr17-59858195-G-A.
Identifiers: ClinVar variation 514893 (VCV000514893.5), dbSNP rs1429375125, ClinGen allele CA658798938.

ClinVar aggregate classification (germline): Conflicting classifications of pathogenicity. Review status: criteria provided, conflicting classifications (1 of 4 stars). 3 submissions from 3 submitters: Uncertain significance (1); Likely benign (2). Last evaluated 2024-08-29.

Conditions:
Familial cancer of breast. Also called: hereditary breast carcinoma; BREAST CANCER, FAMILIAL; Hereditary breast cancer. Identifiers: Orphanet 227535, MedGen C0346153, MONDO:0016419, OMIM 114480. Disease mechanism: loss of function.
Fanconi anemia complementation group J. Also called: BRIP1-Related Fanconi Anemia. Identifiers: Orphanet 84, MedGen C1836860, MONDO:0012187, OMIM 609054.

Submissions (3):

Myriad Genetics, Inc.
Classification: Likely benign for Familial cancer of breast. Last evaluated: 2024-08-29. Review status: criteria provided, single submitter. Criteria: Myriad Autosomal Dominant, Autosomal Recessive and X-Linked Classification Criteria (2023). Collection method: clinical testing. Allele origin: unknown.
Comment: This variant is considered likely benign. This variant is intronic and is not expected to impact mRNA splicing.

Labcorp Genetics (formerly Invitae), Labcorp
Classification: Uncertain significance for Familial cancer of breast; Fanconi anemia complementation group J. Last evaluated: 2023-07-29. Review status: criteria provided, single submitter. Criteria: Invitae Variant Classification Sherloc (09022015). Collection method: clinical testing. Allele origin: germline.
Comment: In summary, the available evidence is currently insufficient to determine the role of this variant in disease. Therefore, it has been classified as a Variant of Uncertain Significance. Variants that disrupt the consensus splice site are a relatively common cause of aberrant splicing (PMID: 17576681, 9536098). Algorithms developed to predict the effect of sequence changes on RNA splicing suggest that this variant is not likely to affect RNA splicing. ClinVar contains an entry for this variant (Variation ID: 514893). This variant has not been reported in the literature in individuals affected with BRIP1-related conditions. This variant is not present in population databases (gnomAD no frequency). This sequence change falls in intron 12 of the BRIP1 gene. It does not directly change the encoded amino acid sequence of the BRIP1 protein. It affects a nucleotide within the consensus splice site.

GeneDx
Classification: Likely benign. Last evaluated: 2018-01-15. Review status: criteria provided, single submitter. Criteria: GeneDx Variant Classification (06012015). Collection method: clinical testing. Allele origin: germline. Affected: yes.
Comment: This variant is considered likely benign or benign based on one or more of the following criteria: it is a conservative change, it occurs at a poorly conserved position in the protein, it is predicted to be benign by multiple in silico algorithms, and/or has population frequency not consistent with disease.

Literature cited by the submitters: PubMed 17576681 (cited by Labcorp Genetics (formerly Invitae), Labcorp); PubMed 9536098 (cited by Labcorp Genetics (formerly Invitae), Labcorp).